The following is an entry in ClinVar:

NM_000274.4(OAT):c.304_305del (p.Lys102fs)

Gene: OAT (ornithine aminotransferase; minus strand). Cytogenetic location: 10q26.13.
Variant type: Deletion.
Coding change: c.304_305del on transcript NM_000274.4 (MANE Select); coding-DNA positions 304 to 305, 2 bases deleted (AA; older notation c.304_305delAA).
Protein change: p.Lys102fs; shifts the reading frame from lysine 102.
Molecular consequence: frameshift variant. On other transcripts: 5 prime UTR variant (2), intron variant (1).
Genome position (GRCh38, 1-based): chr10:124,408,860-124,408,861, TT deleted on the plus strand (AA on the coding strand, the reverse complement: OAT is on the minus strand). VCF-style (leftmost placement, unchanged base first): chr10-124408859-CTT-C. GRCh37 (hg19) VCF-style: chr10-126097428-CTT-C.
Other names: c.-111_-110del (NM_001171814.2); c.304_305del, p.Lys102fs (NM_001322965.2, NM_001322966.2, NM_001322967.2 and 3 more transcripts); c.-411_-410del (NM_001322974.2); c.199+3112_199+3113del (NM_001322971.2); short protein forms K102fs.
Identifiers: ClinVar variation 1451560 (VCV001451560.6), dbSNP rs2134478524, ClinGen allele CA2573145625.
Genomic context (GRCh38, chr10:124,408,859, plus strand): 5'-TTCACCAAGTACGTTATTATAGAAAGCTCTAGATGTTAAGGTCAATTTGTCCACTTGACT[CTT>C]CAGAGCATTCACAATCTTGGGGTGACAATGCCCTTGGTTGACAGCACTGTAAGAACTCAG-3'

ClinVar aggregate classification (germline): Pathogenic (1 of 4 stars; one submission).

Conditions:
Ornithine aminotransferase deficiency (GACR). Also called: Ornithine ketoacid aminotransferase deficiency; Gyrate atrophy; Gyrate atrophy of choroid and retina; Girate atrophy of the retina; OKT DEFICIENCY; HYPERORNITHINEMIA WITH GYRATE ATROPHY OF CHOROID AND RETINA. Identifiers: Orphanet 414, MedGen C0018425, MONDO:0009796, OMIM 258870.

Submission:

Labcorp Genetics (formerly Invitae), Labcorp
Classification: Pathogenic for Ornithine aminotransferase deficiency. Last evaluated: 2021-11-18. Review status: criteria provided, single submitter. Criteria: Invitae Variant Classification Sherloc (09022015). Collection method: clinical testing. Allele origin: germline.
Comment: This variant has not been reported in the literature in individuals affected with OAT-related conditions. This variant is not present in population databases (gnomAD no frequency). This sequence change creates a premature translational stop signal (p.Lys102Glufs*11) in the OAT gene. It is expected to result in an absent or disrupted protein product. Loss-of-function variants in OAT are known to be pathogenic (PMID: 1737786, 23076989). For these reasons, this variant has been classified as Pathogenic.

Literature cited by the submitters: PubMed 1737786; PubMed 23076989.